The following is an entry in ClinVar:

NM_001379659.1(ZNF142):c.5098C>T (p.Arg1700Trp)

Gene: ZNF142 (zinc finger protein 142; minus strand). Cytogenetic location: 2q35.
Variant type: single nucleotide variant.
Coding change: c.5098C>T on transcript NM_001379659.1 (MANE Select); coding-DNA position 5098, C replaced by T.
Protein change: p.Arg1700Trp; replaces arginine 1700 with tryptophan.
Molecular consequence: missense variant.
Genome position (GRCh38, 1-based): chr2:218,640,760, G>A on the plus strand (C>T on the coding strand, the complement: ZNF142 is on the minus strand). VCF-style: chr2-218640760-G-A. GRCh37 (hg19) VCF-style: chr2-219505483-G-A.
Other names: c.4498C>T, p.Arg1500Trp (NM_001105537.5, NM_001366291.3, NM_001379662.1); c.4009C>T, p.Arg1337Trp (NM_001366287.3, NM_001366288.3, NM_001366289.3); c.5098C>T, p.Arg1700Trp (NM_001366290.3, NM_001379660.1, NM_001379661.1); short protein forms R1500W, R1337W, R1700W.
Identifiers: ClinVar variation 627544 (VCV000627544.6), dbSNP rs367658234, ClinGen allele CA2108604.

ClinVar aggregate classification (germline): Likely pathogenic. Review status: criteria provided, single submitter (1 of 4 stars). 3 submissions from 3 submitters: Likely pathogenic (1). 2 of the submissions do not count toward it. Last evaluated 2025-04-15.

Conditions:
Neurodevelopmental disorder with impaired speech and hyperkinetic movements. Identifiers: MedGen C5193088, MONDO:0032741, OMIM 618425.

Allele frequency attached by ClinVar (database versions not stated): gnomAD 0.00003; TOPMed 0.00005; gnomAD exomes 0.00004; ESP Exome Variant Server 0.00008.
gnomAD v4.1: 68 of 1,613,886 alleles (0.0042%); highest among the groups gnomAD compares: African/African-American, 0.0053%; no homozygotes.

Submissions (3):

Tumer Group, Copenhagen University Hospital, Rigshospitalet
Classification: Likely pathogenic for Neurodevelopmental disorder with impaired speech and hyperkinetic movements. Last evaluated: 2025-04-15. Review status: criteria provided, single submitter. Criteria: ACMG Guidelines, 2015. Collection method: research. Allele origin: unknown. Affected: yes.

OMIM
Classification: Pathogenic for NEURODEVELOPMENTAL DISORDER WITH IMPAIRED SPEECH AND HYPERKINETIC MOVEMENTS. Last evaluated: 2019-05-10. Review status: no assertion criteria provided. Collection method: literature only. Allele origin: germline. Not counted in ClinVar's aggregate classification.

Advanced Center For Translational And Genetic Medicine, Ann & Robert H. Lurie Children's Hospital Of Chicago
Classification: Uncertain significance for Neurodevelopmental disorder with impaired speech and hyperkinetic movements. Last evaluated: 2019-03-08. Review status: no assertion criteria provided. Collection method: research. Allele origin: maternal. Inheritance: Autosomal recessive inheritance. Affected: yes. Observed: 1 variant allele. Not counted in ClinVar's aggregate classification.
Comment: compound heterozygous

Literature cited by the submitters: PubMed 31036918 (cited by OMIM and Advanced Center For Translational And Genetic Medicine, Ann & Robert H. Lurie Children's Hospital Of Chicago).